The following is an entry in ClinVar:

NM_001365999.1(SZT2):c.3058C>T (p.Pro1020Ser)

Gene: SZT2 (SZT2 subunit of KICSTOR complex; plus strand). Cytogenetic location: 1p34.2.
Variant type: single nucleotide variant.
Coding change: c.3058C>T on transcript NM_001365999.1 (MANE Select); coding-DNA position 3058, C replaced by T.
Protein change: p.Pro1020Ser; replaces proline 1020 with serine.
Molecular consequence: missense variant. On other transcripts: intron variant (1).
Genome position (GRCh38, 1-based): chr1:43,426,382, C>T. VCF-style: chr1-43426382-C-T. GRCh37 (hg19) VCF-style: chr1-43892053-C-T.
Other names: c.3043+231C>T (NM_015284.4); short protein forms P1020S.
Identifiers: ClinVar variation 3046490 (VCV003046490.2), dbSNP rs974624736, ClinGen allele CA21634058.

ClinVar aggregate classification (germline): Likely benign (0 of 4 stars; one submission).

Conditions:
SZT2-related disorder. Also called: SZT2-related condition.

Allele frequency attached by ClinVar (database versions not stated): gnomAD exomes 0.00001; gnomAD 0.00009; TOPMed 0.00011.
gnomAD v4.1: 23 of 1,563,380 alleles (0.0015%); highest among the groups gnomAD compares: African/African-American, 0.028%; no homozygotes.

Submission:

PreventionGenetics, part of Exact Sciences
Classification: Likely benign for SZT2-related condition. Last evaluated: 2023-04-25. Review status: no assertion criteria provided. Collection method: clinical testing. Allele origin: germline.
Comment: This variant is classified as likely benign based on ACMG/AMP sequence variant interpretation guidelines (Richards et al. 2015 PMID: 25741868, with internal and published modifications).